The following is an entry in ClinVar:

ClinVar aggregate classification (germline): Uncertain significance (1 of 4 stars; one submission).

Submission:

Labcorp Genetics (formerly Invitae), Labcorp
Classification: Uncertain significance. Last evaluated: 2023-11-15. Review status: criteria provided, single submitter. Criteria: Invitae Variant Classification Sherloc (09022015). Collection method: clinical testing. Allele origin: germline.
Comment: This sequence change falls in intron 3 of the DLL4 gene. It does not directly change the encoded amino acid sequence of the DLL4 protein. This variant is not present in population databases (gnomAD no frequency). This variant has not been reported in the literature in individuals affected with DLL4-related conditions. Algorithms developed to predict the effect of sequence changes on RNA splicing suggest that this variant may disrupt the consensus splice site. In summary, the available evidence is currently insufficient to determine the role of this variant in disease. Therefore, it has been classified as a Variant of Uncertain Significance.

NM_019074.4(DLL4):c.395-5C>G

Gene: DLL4 (delta like canonical Notch ligand 4; plus strand). Cytogenetic location: 15q15.1.
Variant type: single nucleotide variant.
Coding change: c.395-5C>G on transcript NM_019074.4 (MANE Select); 5 bases into the intron before coding-DNA position 395, C replaced by G.
Molecular consequence: intron variant.
Genome position (GRCh38, 1-based): chr15:40,931,498, C>G. VCF-style: chr15-40931498-C-G. GRCh37 (hg19) VCF-style: chr15-41223696-C-G.
Identifiers: ClinVar variation 2749790 (VCV002749790.3), dbSNP rs1330753793, ClinGen allele CA2697554353.
Genomic context (GRCh38, chr15:40,931,498, plus strand): 5'-CCAGCCGTCACTGGCACCCTTGGGGACTGGCGACCCTTCCCTGACCCGACCCTCTGCCCC[C>G]TCAGAGGCCTTGCCACCAGATGCACTCATCAGCAAGATCGCCATCCAGGGCTCCCTAGCT-3'